The following is an entry in ClinVar:

NM_001080467.3(MYO5B):c.3046C>T (p.Arg1016Ter)

Gene: MYO5B (myosin VB; minus strand). Cytogenetic location: 18q21.1.
Variant type: single nucleotide variant.
Coding change: c.3046C>T on transcript NM_001080467.3 (MANE Select); coding-DNA position 3046, C replaced by T.
Protein change: p.Arg1016Ter; replaces arginine 1016 with a stop codon.
Molecular consequence: nonsense.
Genome position (GRCh38, 1-based): chr18:49,880,455, G>A on the plus strand (C>T on the coding strand, the complement: MYO5B is on the minus strand). VCF-style: chr18-49880455-G-A. GRCh37 (hg19) VCF-style: chr18-47406825-G-A.
Other names: c.3046C>T (NM_001080467.2); short protein forms R1016*.
Identifiers: ClinVar variation 2138152 (VCV002138152.8), dbSNP rs200358260, ClinGen allele CA8960854.
Genomic context (GRCh38, chr18:49,880,455, plus strand): 5'-TGTTGAGCTGTTCTTTCTCATCTTTCAAGAGAGCATTTTCTTGCTCCAGGTCTGCAACTC[G>A]CTGGAAGAGAGCAATAGGGGAAAAATGTCTCATGATGCTGGGAAGAGGAGAGGCTCCTCT-3'

ClinVar aggregate classification (germline): Pathogenic/Likely pathogenic. Review status: criteria provided, multiple submitters, no conflicts (2 of 4 stars). 4 submissions from 4 submitters: Pathogenic (3); Likely pathogenic (1). Last evaluated 2026-08-18.

Conditions:
Congenital microvillous atrophy (DIAR2). Also called: CONGENITAL FAMILIAL PROTRACTED DIARRHEA WITH ENTEROCYTE BRUSH-BORDER ABNORMALITIES; DAVIDSON DISEASE; MICROVILLUS ATROPHY, CONGENITAL; Diarrhea 2 with microvillus atrophy, with or without cholestasis; Microvillus inclusion disease. Identifiers: Orphanet 2290, MedGen C0341306, MONDO:0009635, OMIM 251850.
MYO5B-related disorder. Also called: MYO5B-related condition.

Allele frequency attached by ClinVar (database versions not stated): ESP Exome Variant Server 0.00017; 1000 Genomes Project 0.00020; gnomAD 0.00001; ExAC 0.00002; TOPMed 0.00002; 1000 Genomes Project 30x 0.00016.
gnomAD v4.1: 48 of 1,613,320 alleles (0.003%); highest among the groups gnomAD compares: Non-Finnish European, 0.004%; no homozygotes.

Submissions (4):

PreventionGenetics, part of Exact Sciences
Classification: Pathogenic for MYO5B-related condition. Last evaluated: 2026-08-18. Review status: criteria provided, single submitter. Criteria: ACMG Guidelines, 2015. Collection method: clinical testing. Allele origin: germline.
Comment: The MYO5B c.3046C>T variant is predicted to result in premature protein termination (p.Arg1016*). This variant was reported in the compound heterozygous or homozygous state in individuals with microvillus inclusion disease (Aldrian et al. 2021. PubMed ID: 33525641; Qiu et al. 2017. PubMed ID: 28027573). This variant is reported in 0.0056% of alleles in individuals of East Asian descent in gnomAD. In summary, we interpret this variant as likely pathogenic.

Victorian Clinical Genetics Services, Murdoch Childrens Research Institute
Classification: Pathogenic for Congenital microvillous atrophy. Last evaluated: 2026-03-08. Review status: criteria provided, single submitter. Criteria: ACMG Guidelines, 2015. Collection method: clinical testing. Allele origin: germline. Affected: yes.
Comment: This variant is classified as Pathogenic. Evidence in support of pathogenic classification: Variant is predicted to cause nonsense-mediated decay (NMD) and loss of protein (premature termination codon is located at least 54 nucleotides upstream of the final exon-exon junction); Variant is present in gnomAD <0.01 for a recessive condition (v4: 48 heterozygote(s), 0 homozygote(s)); This variant has strong previous evidence of pathogenicity in unrelated individuals. It has been classified as pathogenic by a clinical laboratory in ClinVar, and reported in the literature in individuals with microvillus inclusion disease (MVID) with or without cholestasis (PMID: 38307491); Other NMD-predicted variant(s) comparable to the one identified in this case have very strong previous evidence for pathogenicity (DECIPHER). Additional information: This variant is heterozygous; This gene is associated with autosomal recessive disease; Loss of function is a known mechanism of disease in this gene and is associated with cholestasis, progressive familial intrahepatic, 10 (MIM#619868) and diarrhoea 2, with microvillus atrophy, with or without cholestasis (MIM#251850); Heterozygous variant detected in trans with a second PATHOGENIC heterozygous variant (NM_001080467.3(MYO5B):c.1350dup; p.(Glu451*)) in a recessive disease.

Labcorp Genetics (formerly Invitae), Labcorp
Classification: Pathogenic. Last evaluated: 2025-11-04. Review status: criteria provided, single submitter. Criteria: Invitae Variant Classification Sherloc (09022015). Collection method: clinical testing. Allele origin: germline.
Comment: This sequence change creates a premature translational stop signal (p.Arg1016*) in the MYO5B gene. It is expected to result in an absent or disrupted protein product. Loss-of-function variants in MYO5B are known to be pathogenic (PMID: 18724368, 20186687). This variant is present in population databases (rs200358260, gnomAD 0.006%). This premature translational stop signal has been observed in individual(s) with microvillus inclusion disease (PMID: 18724368, 32304554). ClinVar contains an entry for this variant (Variation ID: 2138152). For these reasons, this variant has been classified as Pathogenic.

Blueprint Genetics
Classification: Likely pathogenic for MYO5B-related disorders. Last evaluated: 2022-01-07. Review status: criteria provided, single submitter. Criteria: ACMG Guidelines, 2015. Collection method: clinical testing. Allele origin: germline. Affected: yes. Observed: 2 variant alleles.

Literature cited by the submitters: PubMed 38307491 (cited by Victorian Clinical Genetics Services, Murdoch Childrens Research Institute); PubMed 18724368 (cited by Labcorp Genetics (formerly Invitae), Labcorp); PubMed 20186687 (cited by Labcorp Genetics (formerly Invitae), Labcorp); PubMed 32304554 (cited by Labcorp Genetics (formerly Invitae), Labcorp).